The following is an entry in ClinVar:

NM_001267550.2(TTN):c.70137_70138delinsTTCAGGTTG (p.Lys23380delinsSerGlyTer)

Genes: TTN (titin; minus strand), TTN-AS1 (TTN antisense RNA 1; plus strand), LOC126806422 (BRD4-independent group 4 enhancer GRCh37_chr2:179440205-179441404; plus strand). Cytogenetic location: 2q31.2.
Variant type: Indel.
Coding change: c.70137_70138delinsTTCAGGTTG on transcript NM_001267550.2 (MANE Select); coding-DNA positions 70137 to 70138, CA replaced by TTCAGGTTG.
Protein change: p.Lys23380delinsSerGlyTer.
Molecular consequence: nonsense.
Genome position (GRCh38, 1-based): chr2:178,575,994-178,575,995, TG replaced by CAACCTGAA on the plus strand (CA replaced by TTCAGGTTG on the coding strand, the reverse complement: TTN is on the minus strand). VCF-style: chr2-178575994-TG-CAACCTGAA. GRCh37 (hg19) VCF-style: chr2-179440721-TG-CAACCTGAA.
Other names: c.65214_65215delinsTTCAGGTTG, p.Lys21739delinsSerGlyTer (NM_001256850.1); c.42942_42943delinsTTCAGGTTG, p.Lys14315delinsSerGlyTer (NM_003319.4); c.62433_62434delinsTTCAGGTTG, p.Lys20812delinsSerGlyTer (NM_133378.4); c.43317_43318delinsTTCAGGTTG, p.Lys14440delinsSerGlyTer (NM_133432.3); c.43518_43519delinsTTCAGGTTG, p.Lys14507delinsSerGlyTer (NM_133437.4); c.42942_42943delCAinsTTCAGGTTG (NM_003319.4).
Identifiers: ClinVar variation 1739459 (VCV001739459.2), dbSNP rs2468706609, ClinGen allele CA2580064934.

ClinVar aggregate classification (germline): Likely pathogenic (1 of 4 stars; one submission).

Conditions:
Cardiovascular phenotype. Identifiers: MedGen CN230736.

Submission:

Ambry Genetics
Classification: Likely pathogenic for Cardiovascular phenotype. Last evaluated: 2021-08-03. Review status: criteria provided, single submitter. Criteria: Ambry Variant Classification Scheme 2023. Collection method: clinical testing. Allele origin: germline.
Comment: The c.42942_42943delCAinsTTCAGGTTG variant, located in coding exon 153 of the TTN gene, results from the deletion of two nucleotides and insertion of 9 nucleotides causing a translational frameshift with a predicted alternate stop codon (p.K14315Sfs*3). This exon is located in the A-band region of the N2-B isoform of the titin protein and is constitutively expressed in TTN transcripts (percent spliced in or PSI 100%). This alteration is expected to result in loss of function by premature protein truncation or nonsense-mediated mRNA decay. While truncating variants in TTN are present in 1-3% of the general population, truncating variants in the A-band are the most common cause of dilated cardiomyopathy (DCM) (Herman DS et al. N. Engl. J. Med., 2012 Feb;366:619-28; Roberts AM et al. Sci Transl Med, 2015 Jan;7:270ra6). TTN truncating variants encoded in constitutive exons (PSI >90%) have been found to be significantly associated with DCM regardless of their position in titin (Schafer S et al. Nat. Genet., 2017 01;49:46-53). As such, this alteration is classified as likely pathogenic.